The following is an entry in ClinVar:

ClinVar aggregate classification (germline): Pathogenic. Review status: criteria provided, multiple submitters, no conflicts (2 of 4 stars). 19 submissions from 17 submitters: Pathogenic (19). Last evaluated 2026-09-08.

Conditions:
Leber congenital amaurosis (LCA). Also called: Leber's amaurosis. Identifiers: Orphanet 65, MedGen C0339527, MeSH D057130, MONDO:0018998.
Inborn genetic diseases. Identifiers: MedGen C0950123, MeSH D030342.
Joubert syndrome. Also called: JOUBERT-BOLTSHAUSER SYNDROME; Familial aplasia of the vermis. Identifiers: Orphanet 475, MedGen C5979921, MONDO:0018772.
Meckel-Gruber syndrome. Also called: DYSENCEPHALIA SPLANCHNOCYSTICA; GRUBER SYNDROME; Dysencephalia splachnocystica. Identifiers: Orphanet 564, MedGen C0265215, MONDO:0018921.
Nephronophthisis. Also called: Juvenile Nephronophthisis. Identifiers: Orphanet 655, MedGen C0687120, MONDO:0019005, HP:0000090.
Cystic renal dysplasia. Identifiers: MedGen C1834931, HP:0000800.
Occipital encephalocele. Identifiers: Orphanet 268823, MedGen C0014067, MONDO:0017080, HP:0002085.
CEP290-related disorder. Also called: CEP290-related disorders; CEP290-related condition. Identifiers: MedGen CN239314.
Retinal dystrophy. Also called: Inherited retinal dystrophy. Identifiers: Orphanet 71862, MedGen C0854723, MeSH D058499, MONDO:0019118, HP:0000556.
Senior-Loken syndrome 6 (SLSN6). Identifiers: Orphanet 3156, MedGen C1857779, MONDO:0012433, OMIM 610189.
Meckel syndrome, type 4 (MKS4). Also called: MECKEL-GRUBER SYNDROME, TYPE 4. Identifiers: Orphanet 564, MedGen C1970161, MONDO:0012626, OMIM 611134.
Leber congenital amaurosis 10 (LCA10). Identifiers: Orphanet 65, MedGen C1857821, MONDO:0012723, OMIM 611755.
Joubert syndrome 5 (JBTS5). Identifiers: Orphanet 2318, MedGen C1857780, MONDO:0012432, OMIM 610188.
Bardet-Biedl syndrome 14 (BBS14). Identifiers: Orphanet 110, MedGen C2673874, MONDO:0014442, OMIM 615991.
Global developmental delay (DD). Also called: Cognitive delay. Identifiers: MedGen C0557874, HP:0001263. Disease mechanism: loss of function.
Blindness. Also called: Blindness (disorder). Identifiers: MedGen C0456909, MONDO:0001941, HP:0000618.
Autosomal recessive CEP290-related disorders.
CEP290-related ciliopathy. Also called: CEP290 ciliopathy. Identifiers: MedGen CN305601, MONDO:0100451.

Allele frequency attached by ClinVar (database versions not stated): ExAC 0.00004; TOPMed 0.00006; gnomAD exomes 0.00007; ESP Exome Variant Server 0.00017.
gnomAD v4.1: 61 of 1,552,940 alleles (0.0039%); highest among the groups gnomAD compares: Non-Finnish European, 0.0023%; no homozygotes.

Submissions 1 to 8 of 19:

GeneDx
Classification: Pathogenic. Last evaluated: 2026-09-08. Review status: criteria provided, single submitter. Criteria: GeneDx Variant Classification Process June 2021. Collection method: clinical testing. Allele origin: germline.
Comment: Not observed at significant frequency in large population cohorts (gnomAD); Nonsense variant predicted to result in protein truncation or nonsense mediated decay in a gene for which loss of function is a known mechanism of disease; This variant is associated with the following publications: (PMID: 31964843, 36369640, 34321860, 25525159, 28497568, 31734136, 17345604, 26092869, 21866095, 31623504, 28914264, 38927562, 39202371)

Victorian Clinical Genetics Services, Murdoch Childrens Research Institute
Classification: Pathogenic for CEP290-related ciliopathy. Last evaluated: 2026-06-12. Review status: criteria provided, single submitter. Criteria: ACMG Guidelines, 2015. Collection method: clinical testing. Allele origin: germline. Affected: yes.
Comment: This variant is classified as Pathogenic. Evidence in support of pathogenic classification: Variant is predicted to cause nonsense-mediated decay (NMD) and loss of protein (premature termination codon is located at least 54 nucleotides upstream of the final exon-exon junction); Variant is present in gnomAD <0.01 for a recessive condition (v4: 61 heterozygote(s), 0 homozygote(s)); This variant has strong previous evidence of pathogenicity in unrelated individuals. This variant has been classified as pathogenic by multiple clinical laboratories in ClinVar; Other NMD-predicted variant(s) comparable to the one identified in this case have very strong previous evidence for pathogenicity (DECIPHER). Additional information: This variant is heterozygous; This gene is associated with autosomal recessive disease; Loss of function is a known mechanism of disease in this gene and is associated with CEP290-related ciliopathy (MONDO#0100451); Heterozygous variant detected in trans with a second PATHOGENIC heterozygous variant (NM_025114.4(CEP290):c.3708dup; p.(Arg1237Alafs*7)) in a recessive disease.

PreventionGenetics, part of Exact Sciences
Classification: Pathogenic for CEP290-related condition. Last evaluated: 2026-06-02. Review status: criteria provided, single submitter. Criteria: ACMG Guidelines, 2015. Collection method: clinical testing. Allele origin: germline.
Comment: The CEP290 c.4882C>T variant is predicted to result in premature protein termination (p.Gln1628*). This variant has been reported in multiple individuals affected with CEP290-related autosomal recessive disorders, including Joubert syndrome and Leber congenital amaurosis 10 (Patient 247, Perrault et al. 2007. PubMed ID: 17345604; UW016-1, Table S5, Bachmann-Gagescu et al. 2015. PubMed ID: 26092869; Table S2, Summers et al. 2017. PubMed ID: 28497568). This variant is reported in 0.092% of alleles in individuals of Ashkenazi Jewish descent in gnomAD. Nonsense variants in CEP290 are expected to be pathogenic, and this variant has been classified as pathogenic by multiple independent submitters to the ClinVar database. Given all the evidence, we interpret c.4882C>T (p.Gln1628*) as pathogenic.

Labcorp Genetics (formerly Invitae), Labcorp
Classification: Pathogenic for Joubert syndrome; Meckel-Gruber syndrome; Nephronophthisis. Last evaluated: 2026-01-26. Review status: criteria provided, single submitter. Criteria: Invitae Variant Classification Sherloc (09022015). Collection method: clinical testing. Allele origin: germline.
Comment: This sequence change creates a premature translational stop signal (p.Gln1628*) in the CEP290 gene. It is expected to result in an absent or disrupted protein product. Loss-of-function variants in CEP290 are known to be pathogenic (PMID: 16909394, 17345604, 20690115). This variant is present in population databases (rs376493409, gnomAD 0.09%). This premature translational stop signal has been observed in individual(s) with Joubert syndrome or Leber congenital amaurosis (PMID: 17345604, 21866095, 26092869, 28497568). ClinVar contains an entry for this variant (Variation ID: 217635). For these reasons, this variant has been classified as Pathogenic.

Natera, Inc.
Classification: Pathogenic for Leber congenital amaurosis. Last evaluated: 2025-12-21. Review status: criteria provided, single submitter. Criteria: Natera Variant Classification Schema (03/2026). Collection method: clinical testing. Allele origin: germline.
Comment: The c.4882C>T variant in CEP290 is a nonsense variant predicted to introduce a stop codon at amino acid 1628. This variant is expected to result in nonsense mediated decay, truncation, or a dysfunctional protein product. This variant is rare in the general population with a frequency below the threshold expected for the associated phenotype(s). This variant has been observed in one or more individuals affected with the associated recessive disease, as either homozygous or compound heterozygous with a second variant (PMID: 17705300). Given the available evidence, this variant is classified as Pathogenic.

3billion
Classification: Pathogenic for CEP290-related disorder. Last evaluated: 2025-10-30. Review status: criteria provided, single submitter. Criteria: ACMG Guidelines, 2015. Collection method: clinical testing. Allele origin: germline. Affected: yes.
Comment: The variant is observed at an extremely low frequency in the gnomAD v4.1.0 dataset (total allele frequency: 0.004%). Predicted Consequence/Location: Stop-gained (nonsense): predicted to result in a loss or disruption of normal protein function through nonsense-mediated decay (NMD) or protein truncation. Multiple pathogenic variants are reported downstream of the variant. The variant has been reported to be in trans with a pathogenic variant as either compound heterozygous or homozygous in at least 2 similarly affected unrelated individuals (PMID: 21866095, 26092869, 28497568). The variant has been reported at least twice as pathogenic with clinical assertions and evidence for the classification (ClinVar ID: VCV000217635 /PMID: 17345604). Therefore, this variant is classified as Pathogenic according to the recommendation of ACMG/AMP guideline.

Variantyx, Inc.
Classification: Pathogenic for Autosomal recessive CEP290-related disorders. Last evaluated: 2025-09-15. Review status: criteria provided, single submitter. Criteria: Variantyx Assertion Criteria 2022. Collection method: clinical testing. Allele origin: germline. Inheritance: Autosomal recessive inheritance. Affected: yes.
Comment: This is a nonsense variant in the CEP290 gene (OMIM: 610142). Pathogenic variants in this gene have been associated with autosomal recessive CEP290-related disorders. This variant introduces a premature termination codon in exon 37 out of 54 and is expected to result in loss of function, which is a known disease mechanism for CEP290 in hese disorders (PMID: 16909394, 20690115, 17345604) (PVS1). It has a 0.0023% maximum allele frequency in non-founder control populations (PM2). Based on the current evidence, this variant is classified as pathogenic for autosomal recessive CEP290-related disorders.

Blueprint Genetics
Classification: Pathogenic for CEP290-related disorders. Last evaluated: 2024-08-20. Review status: criteria provided, single submitter. Criteria: ACMG Guidelines, 2015. Collection method: clinical testing. Allele origin: germline. Affected: yes. Observed: 5 variant alleles.

NM_025114.4(CEP290):c.4882C>T (p.Gln1628Ter)

Gene: CEP290 (centrosomal protein 290; minus strand). Cytogenetic location: 12q21.32.
Variant type: single nucleotide variant.
Coding change: c.4882C>T on transcript NM_025114.4 (MANE Select); coding-DNA position 4882, C replaced by T.
Protein change: p.Gln1628Ter; replaces glutamine 1628 with a stop codon.
Molecular consequence: nonsense.
Genome position (GRCh38, 1-based): chr12:88,083,161, G>A on the plus strand (C>T on the coding strand, the complement: CEP290 is on the minus strand). VCF-style: chr12-88083161-G-A. GRCh37 (hg19) VCF-style: chr12-88476938-G-A.
Other names: short protein forms Q1628*.
Identifiers: ClinVar variation 217635 (VCV000217635.68), dbSNP rs376493409, ClinGen allele CA277760.
Genomic context (GRCh38, chr12:88,083,161, plus strand): 5'-ATACTTTCTTTAGTTTGACCAAGAGTGAGGAAAGAGAGTCATCTTGTTCTGCTACTGTCT[G>A]TTCCATCTCAGCCAGACGAATAAAATGCTTGTTGGTAGGAACTGGAGTGGGAGACTGTTT-3'